The following is an entry in ClinVar:

ClinVar aggregate classification (germline): Uncertain significance. Review status: criteria provided, multiple submitters, no conflicts (2 of 4 stars). 2 submissions from 2 submitters: Uncertain significance (2). Last evaluated 2024-03-20.

Allele frequency attached by ClinVar (database versions not stated): gnomAD 0.00003 and 0.00004; gnomAD exomes 0.00008; ExAC 0.00015.
gnomAD v4.1: 52 of 1,613,766 alleles (0.0032%); highest among the groups gnomAD compares: African/African-American, 0.004%; no homozygotes.

Submissions (2):

Ambry Genetics
Classification: Uncertain significance. Last evaluated: 2024-03-20. Review status: criteria provided, single submitter. Criteria: Ambry Variant Classification Scheme 2023. Collection method: clinical testing. Allele origin: germline.

GeneDx
Classification: Uncertain significance. Last evaluated: 2015-01-08. Review status: criteria provided, single submitter. Criteria: GeneDx Variant Classification (06012015). Collection method: clinical testing. Allele origin: germline. Affected: yes.
Comment: p.Arg636His (CGT>CAT): c.1907 G>A in exon 11 of the EFHC1 gene (NM_018100.3). The R636H variant has not been published as a mutation, nor has it been reported as a benign polymorphism to our knowledge. It was not observed in approximately 6,500 individuals of European and African American ancestry in the NHLBI Exome Sequencing Project, indicating it is not a common benign variant in these populations. This substitution occurs at a position that is conserved across mammals although Histidine is observed at this position in evolution. In silico analysis predicts this variant is probably damaging to the protein structure/function. However, the R636H variant is a conservative amino acid substitution, which is not likely to impact secondary protein structure as these residues share similar properties. Therefore, based on the currently available information, it is unclear whether this variant is a pathogenic mutation or a rare benign variant. The variant is found in CHILD-EPI panel(s).

NM_018100.4(EFHC1):c.1907G>A (p.Arg636His)

Gene: EFHC1 (EF-hand domain containing 1; plus strand). Cytogenetic location: 6p12.2.
Variant type: single nucleotide variant.
Coding change: c.1907G>A on transcript NM_018100.4 (MANE Select); coding-DNA position 1907, G replaced by A.
Protein change: p.Arg636His; replaces arginine 636 with histidine.
Molecular consequence: missense variant. On other transcripts: non-coding transcript variant (1).
Genome position (GRCh38, 1-based): chr6:52,492,325, G>A. VCF-style: chr6-52492325-G-A. GRCh37 (hg19) VCF-style: chr6-52357123-G-A.
Other names: p.R636H:CGT>CAT; c.1850G>A, p.Arg617His (NM_001172420.2); short protein forms R636H, R617H.
Identifiers: ClinVar variation 205422 (VCV000205422.3), dbSNP rs745406233, ClinGen allele CA314476.